The following is an entry in ClinVar:

ClinVar aggregate classification (germline): Pathogenic (1 of 4 stars; one submission).

Conditions:
Developmental and epileptic encephalopathy, 12 (DEE12). Identifiers: MedGen C3150988, MONDO:0013389, OMIM 613722.

Submission:

Labcorp Genetics (formerly Invitae), Labcorp
Classification: Pathogenic for Developmental and epileptic encephalopathy, 12. Last evaluated: 2020-09-09. Review status: criteria provided, single submitter. Criteria: Invitae Variant Classification Sherloc (09022015). Collection method: clinical testing. Allele origin: germline.
Comment: A gross deletion of the genomic region encompassing the full coding sequence of the PNKP gene has been identified. The boundaries of this event are unknown as the deletion extends beyond the assayed region for this gene and therefore may encompass additional genes. This variant has not been reported in the literature in individuals with PNKP-related conditions. Loss-of-function variants in PNKP are known to be pathogenic (PMID: 20118933, 25728773). For these reasons, this variant has been classified as Pathogenic.

Literature cited by the submitters: PubMed 20118933; PubMed 25728773.

NC_000019.9:g.(?_50364485)_(50370481_?)del

Gene: PNKP (polynucleotide kinase 3'-phosphatase; minus strand). Cytogenetic location: 19q13.33.
Variant type: Deletion.
Identifiers: ClinVar variation 1074930 (VCV001074930.7).